The following is an entry in ClinVar:

ClinVar aggregate classification (germline): Uncertain significance. Review status: criteria provided, multiple submitters, no conflicts (2 of 4 stars). 3 submissions from 3 submitters: Uncertain significance (3). Last evaluated 2025-04-11.

Conditions:
Inborn genetic diseases. Identifiers: MedGen C0950123, MeSH D030342.
Hyperphosphatasemia with bone disease (PDB5). Also called: Paget disease of bone 5; Osteoectasia familial; HYPEROSTOSIS CORTICALIS DEFORMANS JUVENILIS; HYPERPHOSPHATASEMIA, CHRONIC CONGENITAL IDIOPATHIC; HYPERPHOSPHATASIA, FAMILIAL IDIOPATHIC; PAGET DISEASE OF BONE 5, JUVENILE-ONSET. Identifiers: Orphanet 2801, MedGen C0268414, MONDO:0009394, OMIM 239000.

Allele frequency attached by ClinVar (database versions not stated): ExAC 0.00007; TOPMed 0.00011; gnomAD 0.00012 and 0.00014.
gnomAD v4.1: 55 of 1,614,042 alleles (0.0034%); highest among the groups gnomAD compares: African/African-American, 0.028%; no homozygotes.

Submissions (3):

Labcorp Genetics (formerly Invitae), Labcorp
Classification: Uncertain significance. Last evaluated: 2025-04-11. Review status: criteria provided, single submitter. Criteria: Invitae Variant Classification Sherloc (09022015). Collection method: clinical testing. Allele origin: germline.
Comment: This sequence change replaces valine, which is neutral and non-polar, with methionine, which is neutral and non-polar, at codon 86 of the TNFRSF11B protein (p.Val86Met). This variant is present in population databases (rs371566584, gnomAD 0.03%). This variant has not been reported in the literature in individuals affected with TNFRSF11B-related conditions. ClinVar contains an entry for this variant (Variation ID: 1396908). An algorithm developed to predict the effect of missense changes on protein structure and function outputs the following: PolyPhen-2: "Benign". The methionine amino acid residue is found in multiple mammalian species, which suggests that this missense change does not adversely affect protein function. In summary, the available evidence is currently insufficient to determine the role of this variant in disease. Therefore, it has been classified as a Variant of Uncertain Significance.

Ambry Genetics
Classification: Uncertain significance for Inborn genetic diseases. Last evaluated: 2024-01-29. Review status: criteria provided, single submitter. Criteria: Ambry Variant Classification Scheme 2023. Collection method: clinical testing. Allele origin: germline.

Department of Pathology and Laboratory Medicine, Sinai Health System
Classification: Uncertain significance for Hyperphosphatasemia with bone disease. Last evaluated: 2021-08-11. Review status: criteria provided, single submitter. Criteria: ACMG Guidelines, 2015. Collection method: research. Allele origin: germline.

NM_002546.4(TNFRSF11B):c.256G>A (p.Val86Met)

Gene: TNFRSF11B (TNF receptor superfamily member 11b; minus strand). Cytogenetic location: 8q24.12.
Variant type: single nucleotide variant.
Coding change: c.256G>A on transcript NM_002546.4 (MANE Select); coding-DNA position 256, G replaced by A.
Protein change: p.Val86Met; replaces valine 86 with methionine.
Molecular consequence: missense variant.
Genome position (GRCh38, 1-based): chr8:118,933,075, C>T on the plus strand (G>A on the coding strand, the complement: TNFRSF11B is on the minus strand). VCF-style: chr8-118933075-C-T. GRCh37 (hg19) VCF-style: chr8-119945314-C-T.
Other names: c.256G>A (NM_002546.3); short protein forms V86M.
Identifiers: ClinVar variation 1396908 (VCV001396908.8), dbSNP rs371566584, ClinGen allele CA4854961.